The following is an entry in ClinVar:

ClinVar aggregate classification (germline): Uncertain significance. Review status: criteria provided, single submitter (1 of 4 stars). 2 submissions from 2 submitters: Uncertain significance (1). 1 of the submissions does not count toward it. Last evaluated 2022-10-17.

Conditions:
Bardet-Biedl syndrome (BBS). Identifiers: Orphanet 110, MedGen C0752166, MONDO:0015229.
BBS4-related disorder. Also called: BBS4-related condition.

Allele frequency attached by ClinVar (database versions not stated): gnomAD exomes 0.00002 and 0.00006; gnomAD 0.00011 and 0.00012; TOPMed 0.00011.
gnomAD v4.1: 38 of 1,564,710 alleles (0.0024%); highest among the groups gnomAD compares: Admixed American, 0.045%; no homozygotes.

Submissions (2):

Labcorp Genetics (formerly Invitae), Labcorp
Classification: Uncertain significance for Bardet-Biedl syndrome. Last evaluated: 2022-10-17. Review status: criteria provided, single submitter. Criteria: Invitae Variant Classification Sherloc (09022015). Collection method: clinical testing. Allele origin: germline.
Comment: This sequence change falls in intron 1 of the BBS4 gene. It does not directly change the encoded amino acid sequence of the BBS4 protein. It affects a nucleotide within the consensus splice site. The frequency data for this variant in the population databases is considered unreliable, as metrics indicate poor data quality at this position in the gnomAD database. This variant has not been reported in the literature in individuals affected with BBS4-related conditions. ClinVar contains an entry for this variant (Variation ID: 1046533). Variants that disrupt the consensus splice site are a relatively common cause of aberrant splicing (PMID: 17576681, 9536098). Algorithms developed to predict the effect of sequence changes on RNA splicing suggest that this variant is not likely to affect RNA splicing. In summary, the available evidence is currently insufficient to determine the role of this variant in disease. Therefore, it has been classified as a Variant of Uncertain Significance.

PreventionGenetics, part of Exact Sciences
Classification: Likely benign for BBS4-related condition. Last evaluated: 2021-10-18. Review status: no assertion criteria provided. Collection method: clinical testing. Allele origin: germline. Not counted in ClinVar's aggregate classification.
Comment: This variant is classified as likely benign based on ACMG/AMP sequence variant interpretation guidelines (Richards et al. 2015 PMID: 25741868, with internal and published modifications).

Literature cited by the submitters: PubMed 17576681 (cited by Labcorp Genetics (formerly Invitae), Labcorp); PubMed 9536098 (cited by Labcorp Genetics (formerly Invitae), Labcorp).

NM_033028.5(BBS4):c.24+6C>T

Gene: BBS4 (Bardet-Biedl syndrome 4; plus strand). Cytogenetic location: 15q24.1.
Variant type: single nucleotide variant.
Coding change: c.24+6C>T on transcript NM_033028.5 (MANE Select); 6 bases into the intron after coding-DNA position 24, C replaced by T.
Molecular consequence: intron variant. On other transcripts: non-coding transcript variant (1).
Genome position (GRCh38, 1-based): chr15:72,686,257, C>T. VCF-style: chr15-72686257-C-T. GRCh37 (hg19) VCF-style: chr15-72978598-C-T.
Other names: c.24+6C>T (NM_001320665.2, NM_033028.4); c.-446+6C>T (NM_001252678.2).
Identifiers: ClinVar variation 1046533 (VCV001046533.5), dbSNP rs1427489194, ClinGen allele CA618763156.